The following is an entry in ClinVar:

ClinVar aggregate classification (germline): Uncertain significance (1 of 4 stars; one submission).

Conditions:
Tumor predisposition syndrome 3 (TPDS3). Also called: Melanoma, cutaneous malignant, susceptibility to, 10; Glioma susceptibility 9; LONG TELOMERE SYNDROME, POT1-RELATED; POT1 Tumor Predisposition. Identifiers: Orphanet 618, MedGen C4014476, MONDO:0014368, OMIM 615848.

Submission:

Labcorp Genetics (formerly Invitae), Labcorp
Classification: Uncertain significance for Tumor predisposition syndrome 3. Last evaluated: 2021-06-14. Review status: criteria provided, single submitter. Criteria: Invitae Variant Classification Sherloc (09022015). Collection method: clinical testing. Allele origin: germline.
Comment: This sequence change replaces proline with threonine at codon 593 of the POT1 protein (p.Pro593Thr). The proline residue is highly conserved and there is a small physicochemical difference between proline and threonine. This variant is not present in population databases (ExAC no frequency). This variant has not been reported in the literature in individuals with POT1-related conditions. Algorithms developed to predict the effect of missense changes on protein structure and function are either unavailable or do not agree on the potential impact of this missense change (SIFT: "Deleterious"; PolyPhen-2: "Benign"; Align-GVGD: "Class C0"). In summary, the available evidence is currently insufficient to determine the role of this variant in disease. Therefore, it has been classified as a Variant of Uncertain Significance.

NM_015450.3(POT1):c.1777C>A (p.Pro593Thr)

Gene: POT1 (protection of telomeres 1; minus strand). Cytogenetic location: 7q31.33.
Variant type: single nucleotide variant.
Coding change: c.1777C>A on transcript NM_015450.3 (MANE Select); coding-DNA position 1777, C replaced by A.
Protein change: p.Pro593Thr; replaces proline 593 with threonine.
Molecular consequence: missense variant. On other transcripts: non-coding transcript variant (3).
Genome position (GRCh38, 1-based): chr7:124,825,267, G>T on the plus strand (C>A on the coding strand, the complement: POT1 is on the minus strand). VCF-style: chr7-124825267-G-T. GRCh37 (hg19) VCF-style: chr7-124465321-G-T.
Other names: c.1384C>A, p.Pro462Thr (NM_001042594.2); short protein forms P593T, P462T.
Identifiers: ClinVar variation 1361023 (VCV001361023.8), dbSNP rs1794601828, ClinGen allele CA369062135.
Genomic context (GRCh38, chr7:124,825,267, plus strand): 5'-TCTCAAGTAAAAGAAGTGTGGGATTGTTAAAATATTCTTGCCTACCAATTTTTATTCCTG[G>T]AGGACAAAACATATCCATGATCATATCCACACTTTTCTGAAGGTCATCATCCATCAGAAC-3'
Protein context (NP_056265.2, residues 583-603): VDMIMDMFCP[Pro593Thr]GIKIDAYPWL